The following is an entry in ClinVar:

ClinVar aggregate classification (germline): Uncertain significance (1 of 4 stars; one submission).

Allele frequency attached by ClinVar (database versions not stated): gnomAD 0.00001; gnomAD exomes 0.00002; TOPMed 0.00002.
gnomAD v4.1: 36 of 1,614,104 alleles (0.0022%); highest among the groups gnomAD compares: African/African-American, 0.004%; no homozygotes.

Submission:

GeneDx
Classification: Uncertain significance. Last evaluated: 2019-10-15. Review status: criteria provided, single submitter. Criteria: GeneDx Variant Classification Process June 2021. Collection method: clinical testing. Allele origin: germline. Affected: yes.
Comment: Not observed in large population cohorts (Lek et al., 2016); In silico analysis, which includes protein predictors and evolutionary conservation, supports that this variant does not alter protein structure/function; Has not been previously published as pathogenic or benign to our knowledge

NM_001378418.1(TCF20):c.2566C>T (p.Pro856Ser)

Gene: TCF20 (transcription factor 20; minus strand). Cytogenetic location: 22q13.2.
Variant type: single nucleotide variant.
Coding change: c.2566C>T on transcript NM_001378418.1 (MANE Select); coding-DNA position 2566, C replaced by T.
Protein change: p.Pro856Ser; replaces proline 856 with serine.
Molecular consequence: missense variant.
Genome position (GRCh38, 1-based): chr22:42,212,740, G>A on the plus strand (C>T on the coding strand, the complement: TCF20 is on the minus strand). VCF-style: chr22-42212740-G-A. GRCh37 (hg19) VCF-style: chr22-42608746-G-A.
Other names: c.2566C>T, p.Pro856Ser (NM_005650.4, NM_181492.3); short protein forms P856S.
Identifiers: ClinVar variation 1309419 (VCV001309419.2), dbSNP rs944264446, ClinGen allele CA324701100.
Genomic context (GRCh38, chr22:42,212,740, plus strand): 5'-TCTGTCTTAGTGGAGAAATATCACAGATCACTGATCTTCTTTCAGAGAGGGAACCCCCAG[G>A]CTCATGTGCTGATGACTGAGGCTCTATTTCAAACTTTCTGGGAATTGGATAGTCAGTCAA-3'
Protein context (NP_001365347.1, residues 846-866): EIEPQSSAHE[Pro856Ser]GGSLSERRSV